The following is an entry in ClinVar:

NM_020778.5(ALPK3):c.5113C>T (p.Arg1705Trp)

Gene: ALPK3 (alpha kinase 3; plus strand). Cytogenetic location: 15q25.3.
Variant type: single nucleotide variant.
Coding change: c.5113C>T on transcript NM_020778.5 (MANE Select); coding-DNA position 5113, C replaced by T.
Protein change: p.Arg1705Trp; replaces arginine 1705 with tryptophan.
Molecular consequence: missense variant.
Genome position (GRCh38, 1-based): chr15:84,868,451, C>T. VCF-style: chr15-84868451-C-T. GRCh37 (hg19) VCF-style: chr15-85411682-C-T.
Other names: short protein forms R1907W, R1705W.
Identifiers: ClinVar variation 546399 (VCV000546399.8), dbSNP rs143300163, ClinGen allele CA7710160.

ClinVar aggregate classification (germline): Uncertain significance. Review status: criteria provided, multiple submitters, no conflicts (2 of 4 stars). 3 submissions from 3 submitters: Uncertain significance (3). Last evaluated 2024-05-27.

Conditions:
Cardiovascular phenotype. Identifiers: MedGen CN230736.

Allele frequency attached by ClinVar (database versions not stated): gnomAD exomes 0.00001 and 0.00003; ExAC 0.00002; gnomAD 0.00002 and 0.00004; TOPMed 0.00002; ESP Exome Variant Server 0.00008.
gnomAD v4.1: 26 of 1,605,162 alleles (0.0016%); highest among the groups gnomAD compares: African/African-American, 0.0027%; no homozygotes.

Submissions (3):

Labcorp Genetics (formerly Invitae), Labcorp
Classification: Uncertain significance. Last evaluated: 2024-05-27. Review status: criteria provided, single submitter. Criteria: Invitae Variant Classification Sherloc (09022015). Collection method: clinical testing. Allele origin: germline.
Comment: This sequence change replaces arginine, which is basic and polar, with tryptophan, which is neutral and slightly polar, at codon 1907 of the ALPK3 protein (p.Arg1907Trp). The frequency data for this variant in the population databases is considered unreliable, as metrics indicate poor data quality at this position in the gnomAD database. This variant has not been reported in the literature in individuals affected with ALPK3-related conditions. ClinVar contains an entry for this variant (Variation ID: 546399). An algorithm developed to predict the effect of missense changes on protein structure and function (PolyPhen-2) suggests that this variant is likely to be disruptive. In summary, the available evidence is currently insufficient to determine the role of this variant in disease. Therefore, it has been classified as a Variant of Uncertain Significance.

Ambry Genetics
Classification: Uncertain significance for Cardiovascular phenotype. Last evaluated: 2024-02-14. Review status: criteria provided, single submitter. Criteria: Ambry Variant Classification Scheme 2023. Collection method: clinical testing. Allele origin: germline.
Comment: The p.R1907W variant (also known as c.5719C>T), located in coding exon 14 of the ALPK3 gene, results from a C to T substitution at nucleotide position 5719. The arginine at codon 1907 is replaced by tryptophan, an amino acid with dissimilar properties. This amino acid position is well conserved in available vertebrate species. In addition, the in silico prediction for this alteration is inconclusive. Based on the available evidence, the clinical significance of this alteration remains unclear.

GeneDx
Classification: Uncertain significance. Last evaluated: 2018-05-24. Review status: criteria provided, single submitter. Criteria: GeneDx Variant Classification (06012015). Collection method: clinical testing. Allele origin: germline. Affected: yes.
Comment: A variant of uncertain significance has been identified in the ALPK3 gene. The R1907W variant has not been published as pathogenic or been reported as benign to our knowledge. This variant is observed in 6/236304 (0.0025%) alleles from individuals of multiple ethnic backgrounds in large population cohorts (Lek et al., 2016). Nevertheless, the R1907W variant is a non-conservative amino acid substitution, which is likely to impact secondary protein structure as these residues differ in polarity, charge, size and/or other properties. Finally, in-silico analyses, including protein predictors and evolutionary conservation, support a deleterious effect. Therefore, based on the currently available information, it is unclear whether this variant is pathogenic or benign.